The following is an entry in ClinVar:

ClinVar aggregate classification (germline): Uncertain significance (1 of 4 stars; one submission).

Submission:

Labcorp Genetics (formerly Invitae), Labcorp
Classification: Uncertain significance. Last evaluated: 2024-06-22. Review status: criteria provided, single submitter. Criteria: Invitae Variant Classification Sherloc (09022015). Collection method: clinical testing. Allele origin: germline.
Comment: This sequence change replaces glutamine, which is neutral and polar, with arginine, which is basic and polar, at codon 308 of the TRRAP protein (p.Gln308Arg). This variant is not present in population databases (gnomAD no frequency). This variant has not been reported in the literature in individuals affected with TRRAP-related conditions. Advanced modeling of protein sequence and biophysical properties (such as structural, functional, and spatial information, amino acid conservation, physicochemical variation, residue mobility, and thermodynamic stability) performed at Invitae indicates that this missense variant is not expected to disrupt TRRAP protein function with a negative predictive value of 80%. In summary, the available evidence is currently insufficient to determine the role of this variant in disease. Therefore, it has been classified as a Variant of Uncertain Significance.

NM_001375524.1(TRRAP):c.923A>G (p.Gln308Arg)

Gene: TRRAP (transformation/transcription domain associated protein; plus strand). Cytogenetic location: 7q22.1.
Variant type: single nucleotide variant.
Coding change: c.923A>G on transcript NM_001375524.1 (MANE Select); coding-DNA position 923, A replaced by G.
Protein change: p.Gln308Arg; replaces glutamine 308 with arginine.
Molecular consequence: missense variant.
Genome position (GRCh38, 1-based): chr7:98,903,404, A>G. VCF-style: chr7-98903404-A-G. GRCh37 (hg19) VCF-style: chr7-98501027-A-G.
Other names: c.923A>G, p.Gln308Arg (NM_001244580.2, NM_003496.4); short protein forms Q308R.
Identifiers: ClinVar variation 3657387 (VCV003657387.2).